The following is an entry in ClinVar:

ClinVar aggregate classification (germline): Conflicting classifications of pathogenicity. Review status: criteria provided, conflicting classifications (1 of 4 stars). 4 submissions from 4 submitters: Likely pathogenic (1); Uncertain significance (2). 1 of the submissions does not count toward it. Last evaluated 2024-06-12.

Conditions:
Retinitis pigmentosa 80 (RP80). Identifiers: MedGen C4540439, MONDO:0054708, OMIM 617781.
Saldino-Mainzer syndrome (SRTD9). Also called: Renal dysplasia, retinal pigmentary dystrophy, cerebellar ataxia and skeletal dysplasia; CONORENAL SYNDROME; SHORT-RIB THORACIC DYSPLASIA 9 WITHOUT POLYDACTYLY; short-rib thoracic dysplasia 9 with or without polydactyly. Identifiers: Orphanet 140969, MedGen C1849437, MONDO:0009964, OMIM 266920.

Allele frequency attached by ClinVar (database versions not stated): gnomAD exomes below 0.00001 and 0.00001; ExAC 0.00001; gnomAD 0.00001 and 0.00002; TOPMed 0.00001; 1000 Genomes Project 30x 0.00016; 1000 Genomes Project 0.00020.
gnomAD v4.1: 7 of 1,606,728 alleles (0.00044%); highest among the groups gnomAD compares: East Asian, 0.009%; no homozygotes.

Submissions (4):

Fulgent Genetics
Classification: Likely pathogenic for Saldino-Mainzer syndrome; Retinitis pigmentosa 80. Last evaluated: 2024-06-12. Review status: criteria provided, single submitter. Criteria: ACMG Guidelines, 2015. Collection method: clinical testing. Allele origin: germline.

Blueprint Genetics
Classification: Uncertain significance. Last evaluated: 2018-10-16. Review status: criteria provided, single submitter. Criteria: ACMG Guidelines, 2015. Collection method: clinical testing. Allele origin: germline.

Juno Genomics, Hangzhou Juno Genomics, Inc
Classification: Uncertain significance for Retinitis pigmentosa 80. Review status: criteria provided, single submitter. Criteria: ACMG Guidelines, 2015. Collection method: clinical testing. Allele origin: germline.
Comment: Absent from controls (or at extremely low frequency if recessive) in Genome Aggregation Database.;Multiple lines of computational evidence support a deleterious effect on the gene or gene product.;For recessive disorders, detected in trans with a pathogenic variant.

OMIM
Classification: Pathogenic for RETINITIS PIGMENTOSA 80. Last evaluated: 2017-11-22. Review status: no assertion criteria provided. Collection method: literature only. Allele origin: germline. Not counted in ClinVar's aggregate classification.

Literature cited by the submitters: PubMed 26216056 (cited by OMIM).

NM_014714.4(IFT140):c.4196T>C (p.Leu1399Pro)

Gene: IFT140 (intraflagellar transport 140; minus strand). Cytogenetic location: 16p13.3.
Variant type: single nucleotide variant.
Coding change: c.4196T>C on transcript NM_014714.4 (MANE Select); coding-DNA position 4196, T replaced by C.
Protein change: p.Leu1399Pro; replaces leucine 1399 with proline.
Molecular consequence: missense variant.
Genome position (GRCh38, 1-based): chr16:1,511,137, A>G on the plus strand (T>C on the coding strand, the complement: IFT140 is on the minus strand). VCF-style: chr16-1511137-A-G. GRCh37 (hg19) VCF-style: chr16-1561138-A-G.
Other names: short protein forms L1399P.
Identifiers: ClinVar variation 446311 (VCV000446311.5), dbSNP rs559371453, ClinGen allele CA7812832.